The following is an entry in ClinVar:

NM_033305.3(VPS13A):c.6422C>T (p.Ala2141Val)

Gene: VPS13A (vacuolar protein sorting 13 homolog A; plus strand). Cytogenetic location: 9q21.2.
Variant type: single nucleotide variant.
Coding change: c.6422C>T on transcript NM_033305.3 (MANE Select); coding-DNA position 6422, C replaced by T.
Protein change: p.Ala2141Val; replaces alanine 2141 with valine.
Molecular consequence: missense variant.
Genome position (GRCh38, 1-based): chr9:77,339,559, C>T. VCF-style: chr9-77339559-C-T. GRCh37 (hg19) VCF-style: chr9-79954475-C-T.
Other names: c.6305C>T, p.Ala2102Val (NM_001018037.2); c.6422C>T, p.Ala2141Val (NM_001018038.3, NM_015186.4); short protein forms A2141V, A2102V.
Identifiers: ClinVar variation 2178033 (VCV002178033.1), dbSNP rs1234360682, ClinGen allele CA373850091.

ClinVar aggregate classification (germline): Uncertain significance (1 of 4 stars; one submission).

Allele frequency attached by ClinVar (database versions not stated): gnomAD exomes 0.00001.
gnomAD v4.1: 8 of 1,581,192 alleles (0.00051%); highest among the groups gnomAD compares: Non-Finnish European, 0.00069%; no homozygotes.

Submission:

Labcorp Genetics (formerly Invitae), Labcorp
Classification: Uncertain significance. Last evaluated: 2022-09-16. Review status: criteria provided, single submitter. Criteria: Invitae Variant Classification Sherloc (09022015). Collection method: clinical testing. Allele origin: germline.
Comment: This sequence change replaces alanine, which is neutral and non-polar, with valine, which is neutral and non-polar, at codon 2141 of the VPS13A protein (p.Ala2141Val). The frequency data for this variant in the population databases is considered unreliable, as metrics indicate poor data quality at this position in the gnomAD database. This variant has not been reported in the literature in individuals affected with VPS13A-related conditions. Advanced modeling of protein sequence and biophysical properties (such as structural, functional, and spatial information, amino acid conservation, physicochemical variation, residue mobility, and thermodynamic stability) performed at Invitae indicates that this missense variant is expected to disrupt VPS13A protein function. In summary, the available evidence is currently insufficient to determine the role of this variant in disease. Therefore, it has been classified as a Variant of Uncertain Significance.